The following is an entry in ClinVar:

ClinVar aggregate classification (germline): Uncertain significance (1 of 4 stars; one submission).

Conditions:
Inborn genetic diseases. Identifiers: MedGen C0950123, MeSH D030342.

Submission:

Ambry Genetics
Classification: Uncertain significance for Inborn genetic diseases. Last evaluated: 2025-07-28. Review status: criteria provided, single submitter. Criteria: Ambry Variant Classification Scheme 2023. Collection method: clinical testing. Allele origin: germline.
Comment: The p.F417L variant (also known as c.1251T>A), located in coding exon 9 of the BMPR2 gene, results from a T to A substitution at nucleotide position 1251. The phenylalanine at codon 417 is replaced by leucine, an amino acid with highly similar properties. This amino acid position is conserved. In addition, the in silico prediction for this alteration is inconclusive. Based on the available evidence, the clinical significance of this variant remains unclear.

NM_001204.7(BMPR2):c.1251T>A (p.Phe417Leu)

Gene: BMPR2 (bone morphogenetic protein receptor type 2; plus strand). Cytogenetic location: 2q33.2.
Variant type: single nucleotide variant.
Coding change: c.1251T>A on transcript NM_001204.7 (MANE Select); coding-DNA position 1251, T replaced by A.
Protein change: p.Phe417Leu; replaces phenylalanine 417 with leucine.
Molecular consequence: missense variant.
Genome position (GRCh38, 1-based): chr2:202,532,707, T>A. VCF-style: chr2-202532707-T-A. GRCh37 (hg19) VCF-style: chr2-203397430-T-A.
Other names: short protein forms F417L.
Identifiers: ClinVar variation 4214468 (VCV004214468.1).